The following is an entry in ClinVar:

ClinVar aggregate classification (germline): Pathogenic/Likely pathogenic. Review status: criteria provided, multiple submitters, no conflicts (2 of 4 stars). 11 submissions from 10 submitters: Pathogenic (7); Likely pathogenic (1). 3 of the submissions do not count toward it. Last evaluated 2026-07-16.

Conditions:
NMNAT1-related disorder. Also called: NMNAT1-related condition.
Leber congenital amaurosis 9 (LCA9). Also called: LCA9 Leber Congenital Amaurosis; LCA 9; Amaurosis congenita of Leber, type 9. Identifiers: Orphanet 65, MedGen C1837873, MONDO:0012056, OMIM 608553.

Allele frequency attached by ClinVar (database versions not stated): ExAC 0.00001; gnomAD 0.00001; gnomAD exomes 0.00002 and 0.00004; TOPMed 0.00002.
gnomAD v4.1: 56 of 1,613,190 alleles (0.0035%); highest among the groups gnomAD compares: Non-Finnish European, 0.0043%; no homozygotes.

Submissions (11):

PreventionGenetics, part of Exact Sciences
Classification: Pathogenic for NMNAT1-related condition. Last evaluated: 2026-07-16. Review status: criteria provided, single submitter. Criteria: ACMG Guidelines, 2015. Collection method: clinical testing. Allele origin: germline.
Comment: The NMNAT1 c.53A>G variant is predicted to result in the amino acid substitution p.Asn18Ser. This variant has been reported in the homozygous and compound heterozygous states in individuals with retinal disease (see for example: Siemiatkowska et al. 2014. PubMed ID: 24940029; Nash et al. 2017. PubMed ID: 29184169; Table S3, Suga et al. 2022. PubMed ID: 36284460; Table S1, Lin et al. 2024. PubMed ID: 38219857). This variant is present in 0.0033% of alleles in individuals of South Asian descent in gnomAD. This variant is interpreted as pathogenic.

GeneDx
Classification: Likely pathogenic. Last evaluated: 2026-06-25. Review status: criteria provided, single submitter. Criteria: GeneDx Variant Classification Process June 2021. Collection method: clinical testing. Allele origin: germline.
Comment: In silico analysis supports that this missense variant has a deleterious effect on protein structure/function; This variant is associated with the following publications: (PMID: 24940029, 31964843, 29184169, 30004997, 36460718, 36284460, 29053603, 38219857, 26112015, 33749171, Tawfik2026[CaseReport], 39843441)

Dasa
Classification: Pathogenic. Last evaluated: 2026-01-15. Review status: criteria provided, single submitter. Criteria: DASA Assertion Criteria. Collection method: clinical testing. Allele origin: germline.
Comment: NM_022787.4(NMNAT1):c.53A>G (p.Asn18Ser) is a missense variant that results in the substitution of asparagine with serine. This variant has been observed in affected individuals with related phenotype in a genotype context consistent with recessive disease (PMID: 24940029; PMID: 29184169; PMID: 30004997; PMID: 29053603; PMID: 26112015). This variant has been recurrently observed in individuals with related phenotype (PMID: 24940029; PMID: 29184169; PMID: 30004997; PMID: 29053603; PMID: 26112015). Multiple computational predictions support a deleterious effect on the gene or gene product. The variant is present at low frequency in population datasets. Based on the available data, this variant is classified as pathogenic.

Labcorp Genetics (formerly Invitae), Labcorp
Classification: Pathogenic for Leber congenital amaurosis 9. Last evaluated: 2024-12-23. Review status: criteria provided, single submitter. Criteria: Invitae Variant Classification Sherloc (09022015). Collection method: clinical testing. Allele origin: germline.
Comment: This sequence change replaces asparagine, which is neutral and polar, with serine, which is neutral and polar, at codon 18 of the NMNAT1 protein (p.Asn18Ser). This variant is present in population databases (rs748902766, gnomAD 0.003%). This missense change has been observed in individual(s) with clinical features of inherited retinal dystrophy (PMID: 24940029, 29184169, 30004997; internal data). In at least one individual the data is consistent with being in trans (on the opposite chromosome) from a pathogenic variant. It has also been observed to segregate with disease in related individuals. ClinVar contains an entry for this variant (Variation ID: 190977). Invitae Evidence Modeling of protein sequence and biophysical properties (such as structural, functional, and spatial information, amino acid conservation, physicochemical variation, residue mobility, and thermodynamic stability) indicates that this missense variant is not expected to disrupt NMNAT1 protein function with a negative predictive value of 80%. For these reasons, this variant has been classified as Pathogenic.

Blueprint Genetics
Classification: Pathogenic for NMNAT1-related disorders. Last evaluated: 2024-10-31. Review status: criteria provided, single submitter. Criteria: ACMG Guidelines, 2015. Collection method: clinical testing. Allele origin: germline. Affected: yes. Observed: 5 variant alleles.

Genomic Medicine Center of Excellence, King Faisal Specialist Hospital and Research Centre
Classification: Pathogenic for Leber congenital amaurosis 9. Last evaluated: 2024-03-17. Review status: criteria provided, single submitter. Criteria: ACMG Guidelines, 2015. Collection method: research. Allele origin: germline.

3billion
Classification: Pathogenic for Leber congenital amaurosis 9. Last evaluated: 2022-01-03. Review status: criteria provided, single submitter. Criteria: ACMG Guidelines, 2015. Collection method: clinical testing. Allele origin: germline. Affected: yes. Observed: 1 homozygote.
Comment: Same nucleotide change resulting in same amino acid change has been previously reported as pathogenic/likely pathogenic with strong evidence (ClinVar ID: VCV000190977, PMID:24940029, PS1_S). The variant has been reported to be in trans with a pathogenic variant as either compound heterozygous or homozygous in at least one similarly affected unrelated individual (PMID: 24940029, 30004997, 29184169, PM3_M). In silico tool predictions suggest damaging effect of the variant on gene or gene product (REVEL: 0.928, 3CNET: 0.993, PP3_P). A missense variant is a common mechanism associated with Leber congenital amaurosis 9 (PP2_P). It is observed at an extremely low frequency in the gnomAD v2.1.1 dataset (total allele frequency: 0.000018, PM2_M). Therefore, this variant is classified as pathogenic according to the recommendation of ACMG/AMP guideline.

Genetics and Genomic Medicine Centre, NeuroGen Healthcare, NeuroGen Healthcare
Classification: Pathogenic for Leber congenital amaurosis 9. Last evaluated: 2021-11-20. Review status: criteria provided, single submitter. Criteria: Submitter's publication. Collection method: clinical testing. Allele origin: unknown. Affected: no.

OMIM
Classification: Pathogenic for LEBER CONGENITAL AMAUROSIS 9. Last evaluated: 2021-04-09. Review status: no assertion criteria provided. Collection method: literature only. Allele origin: germline. Not counted in ClinVar's aggregate classification.

Laboratory of Genetics in Ophthalmology, Institut Imagine
Classification: Likely pathogenic for Leber congenital amaurosis 9. Review status: no assertion criteria provided. Collection method: research. Allele origin: inherited. Affected: yes. Observed: 4 variant alleles. Not counted in ClinVar's aggregate classification.

Genomic Medicine Center of Excellence, King Faisal Specialist Hospital and Research Centre
Classification: Likely pathogenic. Review status: flagged submission. Criteria: ACMG Guidelines, 2015. Collection method: research. Allele origin: germline. Affected: yes. Not counted in ClinVar's aggregate classification.
ClinVar note: Reason: This record appears to be redundant with a more recent record from the same submitter.
ClinVar note: Notes: SCV000221344 appears to be redundant with SCV004805075.

Literature cited by the submitters: PubMed 24940029 (cited by 3 submitters); PubMed 29184169 (cited by 4 submitters); PubMed 30004997 (cited by 4 submitters); PubMed 29053603 (cited by Dasa); PubMed 26112015 (cited by Dasa); PubMed 33749171 (cited by Dasa).

NM_022787.4(NMNAT1):c.53A>G (p.Asn18Ser)

Gene: NMNAT1 (nicotinamide nucleotide adenylyltransferase 1; plus strand). Cytogenetic location: 1p36.22.
Variant type: single nucleotide variant.
Coding change: c.53A>G on transcript NM_022787.4 (MANE Select); coding-DNA position 53, A replaced by G.
Protein change: p.Asn18Ser; replaces asparagine 18 with serine.
Molecular consequence: missense variant.
Genome position (GRCh38, 1-based): chr1:9,972,126, A>G. VCF-style: chr1-9972126-A-G. GRCh37 (hg19) VCF-style: chr1-10032184-A-G.
Other names: c.53A>G, p.Asn18Ser (NM_001297778.1, NM_001297779.2); short protein forms N18S.
Identifiers: ClinVar variation 190977 (VCV000190977.20), dbSNP rs748902766, ClinGen allele CA235735.